The following is an entry in ClinVar:

ClinVar aggregate classification (germline): Conflicting classifications of pathogenicity. Review status: criteria provided, conflicting classifications (1 of 4 stars). 10 submissions from 10 submitters: Uncertain significance (7); Likely benign (3). Last evaluated 2026-05-21.

Conditions:
CDKN2A-related disorder. Also called: CDKN2A-related condition.
Melanoma-pancreatic cancer syndrome. Identifiers: Orphanet 404560, MedGen C1838547, MONDO:0011713, OMIM 606719. Disease mechanism: loss of function.
Melanoma, cutaneous malignant, susceptibility to, 2 (CMM2). Also called: Cutaneous malignant melanoma 2; CDKN2A-Related Cutaneous Malignant Melanoma. Identifiers: Orphanet 618, MedGen C1835044, MONDO:0007964, OMIM 155601.
Melanoma and neural system tumor syndrome. Also called: MELANOMA-ASTROCYTOMA SYNDROME. Identifiers: Orphanet 252206, MedGen C1835042, MONDO:0007967, OMIM 155755.
Familial melanoma. Also called: Hereditary melanoma; Hereditary cutaneous melanoma. Identifiers: Orphanet 618, MedGen C1512419, MONDO:0018961.
Hereditary cancer-predisposing syndrome. Also called: Neoplastic Syndromes, Hereditary; Tumor predisposition; Hereditary neoplastic syndrome; Hereditary Cancer Syndrome. Identifiers: Orphanet 140162, MedGen C0027672, MeSH D009386, MONDO:0015356.

Allele frequency attached by ClinVar (database versions not stated): ESP Exome Variant Server 0.00008; gnomAD 0.00015 and 0.00016; TOPMed 0.00015.
gnomAD v4.1: 38 of 1,609,606 alleles (0.0024%); highest among the groups gnomAD compares: African/African-American, 0.039%; no homozygotes.

Submissions (10):

PreventionGenetics, part of Exact Sciences
Classification: Uncertain significance for CDKN2A-related condition. Last evaluated: 2026-05-21. Review status: criteria provided, single submitter. Criteria: ACMG Guidelines, 2015. Collection method: clinical testing. Allele origin: germline.
Comment: The CDKN2A c.365G>T variant is predicted to result in the amino acid substitution p.Gly122Val. This variant occurs in the post-coding region of p14ARF (NM_058195.3:c.*9G>T). This variant has been reported in at least two individuals with melanoma (Yakobson et al. 2000. PubMed ID: 10951521; Taylor et al. 2017. PubMed ID: 28830827. Table S3). This variant has also been reported in one affected individual and three non-cancer controls in a study of African American pancreatic cancer patients (McWilliams et al. 2018. PubMed ID: 30038052). One in vitro study reported a loss of CDK4 (but not CDK6) binding affinity and a partial loss of anti-proliferative function (Yakobson et al. 2000. PubMed ID: 10951521). However, other studies have reported an "inconclusive" impact on G1 checkpoint regulation (Miller et al. 2011. PubMed ID: 21462282) and described the p.Gly122Val variant as "potentially functionally neutral" (Kimura et al. 2022. PubMed ID: 35001868). This variant is reported in 0.053% of alleles in individuals of African descent in gnomAD and has conflicting classifications listed in ClinVar ranging from likely benign to uncertain (Variation ID:182419). At this time, the clinical significance of this variant is uncertain due to the absence of conclusive functional and genetic evidence.

Labcorp Genetics (formerly Invitae), Labcorp
Classification: Uncertain significance for Familial melanoma. Last evaluated: 2026-01-26. Review status: criteria provided, single submitter. Criteria: Invitae Variant Classification Sherloc (09022015). Collection method: clinical testing. Allele origin: germline.
Comment: This sequence change replaces glycine, which is neutral and non-polar, with valine, which is neutral and non-polar, at codon 122 of the CDKN2A (p16INK4a) protein (p.Gly122Val). This variant is present in population databases (rs373291490, gnomAD 0.06%), and has an allele count higher than expected for a pathogenic variant. This missense change has been observed in individual(s) with melanoma or pancreatic cancer (PMID: 10951521, 21462282, 30038052). ClinVar contains an entry for this variant (Variation ID: 182419). An algorithm developed to predict the effect of missense changes on protein structure and function (PolyPhen-2) suggests that this variant is likely to be disruptive. Experimental studies are conflicting or provide insufficient evidence to determine the effect of this variant on CDKN2A (p16INK4a) function (PMID: 10951521, 21462282, 35001868). In summary, the available evidence is currently insufficient to determine the role of this variant in disease. Therefore, it has been classified as a Variant of Uncertain Significance.

Baylor Genetics
Classification: Uncertain significance for Melanoma and neural system tumor syndrome. Last evaluated: 2024-03-27. Review status: criteria provided, single submitter. Criteria: ACMG Guidelines, 2015. Collection method: clinical testing. Allele origin: unknown.

GeneDx
Classification: Uncertain significance. Last evaluated: 2024-01-22. Review status: criteria provided, single submitter. Criteria: GeneDx Variant Classification Process June 2021. Collection method: clinical testing. Allele origin: germline. Affected: yes.
Comment: Observed in individuals with melanoma, pancreatic cancer, or other cancers (PMID: 30038052, 35534704, 36947458, 28944238, 25186627, 10951521); Published functional studies are conflicting: while some demonstrate a damaging effect with reduced binding to CDK4 and reduced ability to inhibit cell proliferation, others demonstrate neutral cell proliferation effects (PMID: 10951521, 21462282, 35001868); In silico analysis supports that this missense variant has a deleterious effect on protein structure/function; This variant in the p16 isoform also results in a variant of uncertain significance in the p14-ARF protein, c.*9G>T; This variant is associated with the following publications: (PMID: 9806478, 15146471, 10596908, 10951521, 15609895, 15863662, 24185512, 30039340, 35001868, 30038052, 28830827, 29684080, 21462282, 35534704, 36947458, 28944238, 25186627)

Quest Diagnostics Nichols Institute San Juan Capistrano
Classification: Likely benign. Last evaluated: 2023-09-05. Review status: criteria provided, single submitter. Criteria: Quest Diagnostics criteria. Collection method: clinical testing. Allele origin: unknown.

St. Jude Molecular Pathology, St. Jude Children's Research Hospital
Classification: Uncertain significance for Melanoma-pancreatic cancer syndrome. Last evaluated: 2022-10-04. Review status: criteria provided, single submitter. Criteria: St. Jude Assertion Criteria 2020. Collection method: clinical testing. Allele origin: germline.
Comment: The CDKN2A c.365G>T (p.Gly122Val) missense change has a maximum subpopulation frequency of 0.053% in gnomAD v2.1.1. This variant has been reported in the literature in an individual with a personal and family history of melanoma (PMID: 10951521). The in silico tool REVEL predicts a deleterious effect on protein function. Functional studies have demonstrated a reduced ability to bind to CDK4 and impaired ability to cause cell cycle arrest (PMID: 10951521, 21462282). In summary, the evidence currently available is insufficient to determine the clinical significance of this variant. It has therefore been classified as of uncertain significance.s

Color Diagnostics, LLC DBA Color Health
Classification: Likely benign for Hereditary cancer-predisposing syndrome. Last evaluated: 2022-05-31. Review status: criteria provided, single submitter. Criteria: ACMG Guidelines, 2015. Collection method: clinical testing. Allele origin: germline.

Ambry Genetics
Classification: Likely benign for Hereditary cancer-predisposing syndrome. Last evaluated: 2021-12-03. Review status: criteria provided, single submitter. Criteria: Ambry Variant Classification Scheme 2023. Collection method: clinical testing. Allele origin: germline.

Women's Health and Genetics/Laboratory Corporation of America, LabCorp
Classification: Uncertain significance. Last evaluated: 2020-09-28. Review status: criteria provided, single submitter. Criteria: LabCorp Variant Classification Summary - May 2015. Collection method: clinical testing. Allele origin: germline.
Comment: Variant summary: CDKN2A c.365G>T (p.Gly122Val) results in a non-conservative amino acid change located in the Ankyrin repeat-containing domain (IPR020683) of the encoded protein sequence. Five of five in-silico tools predict a damaging effect of the variant on protein function. The variant allele was found at a frequency of 4.1e-05 in 244676 control chromosomes, predominantly at a frequency of 0.00045 within the African or African-American subpopulation in the gnomAD database. The available data on variant occurrences in the general population are insufficient to allow any conclusion about variant significance. c.365G>T has been reported in the literature in individuals affected with Malignant Melanoma (example: Yakobson_2000, Taylor_2017). These reports however, do not provide unequivocal conclusions about association of the variant with Cutaneous Malignant Melanoma. In in vitro functional studies, the variant partially reduced CDKN2A function (Yakobson_2000, Miller_2011). Seven other ClinVar submitters (evaluation after 2014) cite the variant as uncertain significance. Based on the evidence outlined above, the variant was classified as uncertain significance.

Fulgent Genetics
Classification: Uncertain significance for Melanoma, cutaneous malignant, susceptibility to, 2; Melanoma and neural system tumor syndrome; Melanoma-pancreatic cancer syndrome. Last evaluated: 2018-10-31. Review status: criteria provided, single submitter. Criteria: ACMG Guidelines, 2015. Collection method: clinical testing. Allele origin: unknown.

Literature cited by the submitters: PubMed 10951521 (cited by 4 submitters); PubMed 21462282 (cited by 4 submitters); PubMed 30038052 (cited by 3 submitters); PubMed 35001868 (cited by Labcorp Genetics (formerly Invitae), Labcorp and Quest Diagnostics Nichols Institute San Juan Capistrano); PubMed 28944238 (cited by Quest Diagnostics Nichols Institute San Juan Capistrano); PubMed 30039340 (cited by Quest Diagnostics Nichols Institute San Juan Capistrano); PubMed 25186627 (cited by Quest Diagnostics Nichols Institute San Juan Capistrano and Women's Health and Genetics/Laboratory Corporation of America, LabCorp); PubMed 29684080 (cited by Quest Diagnostics Nichols Institute San Juan Capistrano); PubMed 15146471 (cited by Quest Diagnostics Nichols Institute San Juan Capistrano and Ambry Genetics); PubMed 21085193 (cited by Quest Diagnostics Nichols Institute San Juan Capistrano); PubMed 15863662 (cited by Quest Diagnostics Nichols Institute San Juan Capistrano); PubMed 28830827 (cited by Quest Diagnostics Nichols Institute San Juan Capistrano and Women's Health and Genetics/Laboratory Corporation of America, LabCorp); PubMed 24185512 (cited by Women's Health and Genetics/Laboratory Corporation of America, LabCorp); PubMed 27756164 (cited by Women's Health and Genetics/Laboratory Corporation of America, LabCorp); PubMed 27960642 (cited by Women's Health and Genetics/Laboratory Corporation of America, LabCorp); PubMed 28765326 (cited by Women's Health and Genetics/Laboratory Corporation of America, LabCorp); PubMed 9166859 (cited by Women's Health and Genetics/Laboratory Corporation of America, LabCorp); PubMed 16818274 (cited by Women's Health and Genetics/Laboratory Corporation of America, LabCorp); PubMed 18519632 (cited by Women's Health and Genetics/Laboratory Corporation of America, LabCorp); PubMed 7718873 (cited by Women's Health and Genetics/Laboratory Corporation of America, LabCorp).

NM_000077.5(CDKN2A):c.365G>T (p.Gly122Val)

Gene: CDKN2A (cyclin dependent kinase inhibitor 2A; minus strand). Cytogenetic location: 9p21.3.
Variant type: single nucleotide variant.
Coding change: c.365G>T on transcript NM_000077.5; coding-DNA position 365, G replaced by T.
Protein change: p.Gly122Val; replaces glycine 122 with valine.
Molecular consequence: missense variant (on NM_000077.6). On other transcripts: 3 prime UTR variant (2).
Genome position (GRCh38, 1-based): chr9:21,970,994, C>A on the plus strand (G>T on the coding strand, the complement: CDKN2A is on the minus strand). VCF-style: chr9-21970994-C-A. GRCh37 (hg19) VCF-style: chr9-21970993-C-A.
Other names: p.G122V:GGC>GTC; c.365G>T, p.Gly122Val (NM_000077.6, NM_001195132.2); c.212G>T, p.Gly71Val (NM_001363763.2); c.*9G>T (NM_058195.4); c.*288G>T (NM_058197.5); short protein forms G122V, G71V.
Identifiers: ClinVar variation 182419 (VCV000182419.35), dbSNP rs373291490, ClinGen allele CA299046.